The following is an entry in ClinVar:

ClinVar aggregate classification (germline): Uncertain significance (1 of 4 stars; one submission).

Conditions:
PCNT-related disorder. Also called: PCNT-related condition.

Submission:

PreventionGenetics, part of Exact Sciences
Classification: Uncertain significance for PCNT-related condition. Last evaluated: 2026-01-28. Review status: criteria provided, single submitter. Criteria: ACMG Guidelines, 2015. Collection method: clinical testing. Allele origin: germline.
Comment: The PCNT c.3171A>C variant is predicted to result in the amino acid substitution p.Glu1057Asp. To our knowledge, this variant has not been reported in the literature or in a large population database (gnomAD), indicating this variant is rare. At this time, the clinical significance of this variant is uncertain due to the absence of conclusive functional and genetic evidence.

NM_006031.6(PCNT):c.3171A>C (p.Glu1057Asp)

Gene: PCNT (pericentrin; plus strand). Cytogenetic location: 21q22.3.
Variant type: single nucleotide variant.
Coding change: c.3171A>C on transcript NM_006031.6 (MANE Select); coding-DNA position 3171, A replaced by C.
Protein change: p.Glu1057Asp; replaces glutamic acid 1057 with aspartic acid.
Molecular consequence: missense variant.
Genome position (GRCh38, 1-based): chr21:46,381,699, A>C. VCF-style: chr21-46381699-A-C. GRCh37 (hg19) VCF-style: chr21-47801614-A-C.
Other names: c.2817A>C, p.Glu939Asp (NM_001315529.2); short protein forms E1057D, E939D.
Identifiers: ClinVar variation 4991341 (VCV004991341.1).